The following is an entry in ClinVar:

NM_016222.4(DDX41):c.894T>G (p.Ile298Met)

Gene: DDX41 (DEAD-box helicase 41; minus strand). Cytogenetic location: 5q35.3.
Variant type: single nucleotide variant.
Coding change: c.894T>G on transcript NM_016222.4 (MANE Select); coding-DNA position 894, T replaced by G.
Protein change: p.Ile298Met; replaces isoleucine 298 with methionine.
Molecular consequence: missense variant.
Genome position (GRCh38, 1-based): chr5:177,514,742, A>C on the plus strand (T>G on the coding strand, the complement: DDX41 is on the minus strand). VCF-style: chr5-177514742-A-C. GRCh37 (hg19) VCF-style: chr5-176941743-A-C.
Other names: c.516T>G, p.Ile172Met (NM_001321732.2, NM_001321830.2); short protein forms I172M, I298M.
Identifiers: ClinVar variation 4869668 (VCV004869668.1).

ClinVar aggregate classification (germline): Uncertain significance (1 of 4 stars; one submission).

Conditions:
Inborn genetic diseases. Identifiers: MedGen C0950123, MeSH D030342.

Submission:

Ambry Genetics
Classification: Uncertain significance for Inborn genetic diseases. Last evaluated: 2026-05-02. Review status: criteria provided, single submitter. Criteria: Ambry Variant Classification Scheme 2023. Collection method: clinical testing. Allele origin: germline.
Comment: The p.I298M variant (also known as c.894T>G), located in coding exon 9 of the DDX41 gene, results from a T to G substitution at nucleotide position 894. The isoleucine at codon 298 is replaced by methionine, an amino acid with highly similar properties. This amino acid position is conserved. In addition, this alteration is predicted to be tolerated by in silico analysis. Based on the available evidence, the clinical significance of this variant remains unclear.